The following is an entry in ClinVar:

NM_004177.5(STX3):c.62C>T (p.Ala21Val)

Gene: STX3 (syntaxin 3; plus strand). Cytogenetic location: 11q12.1.
Variant type: single nucleotide variant.
Coding change: c.62C>T on transcript NM_004177.5 (MANE Select); coding-DNA position 62, C replaced by T.
Protein change: p.Ala21Val; replaces alanine 21 with valine.
Molecular consequence: missense variant.
Genome position (GRCh38, 1-based): chr11:59,773,242, C>T. VCF-style: chr11-59773242-C-T. GRCh37 (hg19) VCF-style: chr11-59540715-C-T.
Other names: c.62C>T, p.Ala21Val (NM_001178040.3); short protein forms A21V.
Identifiers: ClinVar variation 1416375 (VCV001416375.5), dbSNP rs745945451, ClinGen allele CA6020724.

ClinVar aggregate classification (germline): Uncertain significance (1 of 4 stars; one submission).

Allele frequency attached by ClinVar (database versions not stated): gnomAD 0.00001; ExAC 0.00002; gnomAD exomes 0.00002.
gnomAD v4.1: 16 of 1,613,990 alleles (0.00099%); highest among the groups gnomAD compares: East Asian, 0.013%; no homozygotes.

Submission:

Labcorp Genetics (formerly Invitae), Labcorp
Classification: Uncertain significance. Last evaluated: 2021-09-02. Review status: criteria provided, single submitter. Criteria: Invitae Variant Classification Sherloc (09022015). Collection method: clinical testing. Allele origin: germline.
Comment: This sequence change replaces alanine with valine at codon 21 of the STX3 protein (p.Ala21Val). The alanine residue is weakly conserved and there is a small physicochemical difference between alanine and valine. This variant is present in population databases (rs745945451, ExAC 0.03%). This variant has not been reported in the literature in individuals affected with STX3-related conditions. Algorithms developed to predict the effect of missense changes on protein structure and function (SIFT, PolyPhen-2, Align-GVGD) all suggest that this variant is likely to be tolerated. In summary, the available evidence is currently insufficient to determine the role of this variant in disease. Therefore, it has been classified as a Variant of Uncertain Significance.